The following is an entry in ClinVar:

ClinVar aggregate classification (germline): Pathogenic/Likely pathogenic. Review status: criteria provided, multiple submitters, no conflicts (2 of 4 stars). 6 submissions from 6 submitters: Pathogenic (1); Likely pathogenic (5). Last evaluated 2026-01-29.

Conditions:
Autosomal recessive limb-girdle muscular dystrophy. Identifiers: Orphanet 102015, MedGen C2931907, MONDO:0015152.
Autosomal recessive limb-girdle muscular dystrophy type 2E (LGMDR4). Also called: MUSCULAR DYSTROPHY, LIMB-GIRDLE, AUTOSOMAL RECESSIVE 4. Identifiers: Orphanet 119, MedGen C1858593, MONDO:0011423, OMIM 604286. Disease mechanism: Affects gamma-sarcoglycan and also disrupts the integrity of the entire sarcoglycan complex..

Submissions (6):

Women's Health and Genetics/Laboratory Corporation of America, LabCorp
Classification: Pathogenic for Autosomal recessive limb-girdle muscular dystrophy. Last evaluated: 2026-01-29. Review status: criteria provided, single submitter. Criteria: LabCorp Variant Classification Summary - May 2015. Collection method: clinical testing. Allele origin: germline.
Comment: Variant summary: SGCB c.275T>C (p.Ile92Thr) results in a non-conservative amino acid change in the encoded protein sequence. Algorithms developed to predict the effect of missense changes on protein structure and function all suggest that this variant is likely to be disruptive. The variant was absent in 251470 control chromosomes. c.275T>C has been observed in the homozygous state in multiple individual(s) affected with Limb-Girdle Muscular Dystrophy, Autosomal Recessive (example, Semplicini_2015, Soheili_2012, Cavdarli_2023, Chen_2006) . These data indicate that the variant is likely to be associated with disease. At least one publication reports experimental evidence evaluating an impact on protein function. The most pronounced variant effect results in <10% of normal protein expression in patient skeletal muscle (example, Chen_2006). ClinVar contains an entry for this variant (Variation ID: 2203543). Based on the evidence outlined above, the variant was classified as pathogenic.

First Genomix Gene Laboratory, Genetic Diagnostics Department
Classification: Likely pathogenic for Autosomal recessive limb-girdle muscular dystrophy type 2E. Last evaluated: 2025-06-19. Review status: criteria provided, single submitter. Criteria: ACMG Guidelines, 2015. Collection method: clinical testing. Allele origin: germline. Inheritance: Autosomal recessive inheritance. Affected: no. Observed: 1 variant allele.

Natera, Inc.
Classification: Likely pathogenic for Limb-girdle muscular dystrophy type 2E. Last evaluated: 2024-05-31. Review status: criteria provided, single submitter. Criteria: Natera Variant Classification Schema (03/2026). Collection method: clinical testing. Allele origin: germline.
Comment: The c.275T>C variant in SGCB is a missense variant predicted to cause substitution of isoleucine to threonine at amino acid 92. This variant is rare in the general population with a frequency below the threshold expected for the associated phenotype(s). This variant has been observed in one or more individuals affected with the associated recessive disease, as either homozygous or compound heterozygous with a second variant (PMID: 25862795, 36374152, 36575883). Computational prediction algorithms indicate this variant is likely to affect gene or protein function. Given the available evidence, this variant is classified as Likely Pathogenic.

Baylor Genetics
Classification: Likely pathogenic for Autosomal recessive limb-girdle muscular dystrophy type 2E. Last evaluated: 2024-02-03. Review status: criteria provided, single submitter. Criteria: ACMG Guidelines, 2015. Collection method: clinical testing. Allele origin: unknown.

Revvity Omics, Revvity
Classification: Likely pathogenic for Autosomal recessive limb-girdle muscular dystrophy type 2E. Last evaluated: 2023-10-02. Review status: criteria provided, single submitter. Criteria: ACMG Guidelines, 2015. Collection method: clinical testing. Allele origin: germline.

Labcorp Genetics (formerly Invitae), Labcorp
Classification: Likely pathogenic for Autosomal recessive limb-girdle muscular dystrophy type 2E. Last evaluated: 2023-04-28. Review status: criteria provided, single submitter. Criteria: Invitae Variant Classification Sherloc (09022015). Collection method: clinical testing. Allele origin: germline.
Comment: This sequence change replaces isoleucine, which is neutral and non-polar, with threonine, which is neutral and polar, at codon 92 of the SGCB protein (p.Ile92Thr). This variant is not present in population databases (gnomAD no frequency). This missense change has been observed in individual(s) with autosomal recessive limb-girdle muscular dystrophy (PMID: 15938573, 16524571, 25862795). ClinVar contains an entry for this variant (Variation ID: 2203543). Advanced modeling of protein sequence and biophysical properties (such as structural, functional, and spatial information, amino acid conservation, physicochemical variation, residue mobility, and thermodynamic stability) performed at Invitae indicates that this missense variant is expected to disrupt SGCB protein function. Experimental studies have shown that this missense change affects SGCB function (PMID: 22095924). In summary, the currently available evidence indicates that the variant is pathogenic, but additional data are needed to prove that conclusively. Therefore, this variant has been classified as Likely Pathogenic.

Literature cited by the submitters: PubMed 22095924 (cited by Women's Health and Genetics/Laboratory Corporation of America, LabCorp and Labcorp Genetics (formerly Invitae), Labcorp); PubMed 25862795 (cited by 3 submitters); PubMed 30838351 (cited by Women's Health and Genetics/Laboratory Corporation of America, LabCorp); PubMed 32875335 (cited by Women's Health and Genetics/Laboratory Corporation of America, LabCorp); PubMed 37317968 (cited by Women's Health and Genetics/Laboratory Corporation of America, LabCorp); PubMed 36575883 (cited by Women's Health and Genetics/Laboratory Corporation of America, LabCorp and Natera, Inc.); PubMed 36374152 (cited by Women's Health and Genetics/Laboratory Corporation of America, LabCorp and Natera, Inc.); PubMed 15954112 (cited by Women's Health and Genetics/Laboratory Corporation of America, LabCorp); PubMed 39769077 (cited by Women's Health and Genetics/Laboratory Corporation of America, LabCorp); PubMed 38193396 (cited by Women's Health and Genetics/Laboratory Corporation of America, LabCorp); PubMed 15938573 (cited by Women's Health and Genetics/Laboratory Corporation of America, LabCorp and Labcorp Genetics (formerly Invitae), Labcorp); PubMed 16524571 (cited by Women's Health and Genetics/Laboratory Corporation of America, LabCorp and Labcorp Genetics (formerly Invitae), Labcorp).

NM_000232.5(SGCB):c.275T>C (p.Ile92Thr)

Gene: SGCB (sarcoglycan beta; minus strand). Cytogenetic location: 4q12.
Variant type: single nucleotide variant.
Coding change: c.275T>C on transcript NM_000232.5 (MANE Select); coding-DNA position 275, T replaced by C.
Protein change: p.Ile92Thr; replaces isoleucine 92 with threonine.
Molecular consequence: missense variant.
Genome position (GRCh38, 1-based): chr4:52,029,832, A>G on the plus strand (T>C on the coding strand, the complement: SGCB is on the minus strand). VCF-style: chr4-52029832-A-G. GRCh37 (hg19) VCF-style: chr4-52895998-A-G.
Other names: short protein forms I92T.
Identifiers: ClinVar variation 2203543 (VCV002203543.11), dbSNP rs1737204592, ClinGen allele CA356877486.
Genomic context (GRCh38, chr4:52,029,832, plus strand): 5'-TGCTTAAATCGAAGCAGGCCACTTTCATGAAACTCCATACTATCACAGCCATTTGGTCCA[A>G]TGCGAATCACGGCCCAAATAACAAGTGTTATCTGAAAAAGAACACAAGTCCACTGTTGGT-3'
Protein context (NP_000223.1, residues 82-102): ITLVIWAVIR[Ile92Thr]GPNGCDSMEF